The following is an entry in ClinVar:

ClinVar aggregate classification (germline): Uncertain significance. Review status: criteria provided, multiple submitters, no conflicts (2 of 4 stars). 2 submissions from 2 submitters: Uncertain significance (2). Last evaluated 2024-12-16.

Allele frequency attached by ClinVar (database versions not stated): gnomAD exomes 0.00001; TOPMed 0.00001.
gnomAD v4.1: 18 of 1,600,780 alleles (0.0011%); highest among the groups gnomAD compares: Non-Finnish European, 0.0015%; no homozygotes.

Submissions (2):

Labcorp Genetics (formerly Invitae), Labcorp
Classification: Uncertain significance. Last evaluated: 2024-12-16. Review status: criteria provided, single submitter. Criteria: Invitae Variant Classification Sherloc (09022015). Collection method: clinical testing. Allele origin: germline.
Comment: This sequence change replaces arginine, which is basic and polar, with cysteine, which is neutral and slightly polar, at codon 191 of the RPSA protein (p.Arg191Cys). This variant is not present in population databases (gnomAD no frequency). This variant has not been reported in the literature in individuals affected with RPSA-related conditions. ClinVar contains an entry for this variant (Variation ID: 2996011). Invitae Evidence Modeling of protein sequence and biophysical properties (such as structural, functional, and spatial information, amino acid conservation, physicochemical variation, residue mobility, and thermodynamic stability) indicates that this missense variant is not expected to disrupt RPSA protein function with a negative predictive value of 80%. In summary, the available evidence is currently insufficient to determine the role of this variant in disease. Therefore, it has been classified as a Variant of Uncertain Significance.

Ambry Genetics
Classification: Uncertain significance. Last evaluated: 2024-04-24. Review status: criteria provided, single submitter. Criteria: Ambry Variant Classification Scheme 2023. Collection method: clinical testing. Allele origin: germline.

NM_002295.6(RPSA):c.571C>T (p.Arg191Cys)

Gene: RPSA (ribosomal protein SA; plus strand). Cytogenetic location: 3p22.1.
Variant type: single nucleotide variant.
Coding change: c.571C>T on transcript NM_002295.6 (MANE Select); coding-DNA position 571, C replaced by T.
Protein change: p.Arg191Cys; replaces arginine 191 with cysteine.
Molecular consequence: missense variant.
Genome position (GRCh38, 1-based): chr3:39,411,721, C>T. VCF-style: chr3-39411721-C-T. GRCh37 (hg19) VCF-style: chr3-39453212-C-T.
Other names: c.571C>T (NM_002295.4); c.571C>T, p.Arg191Cys (NM_001012321.1); c.586C>T, p.Arg196Cys (NM_001304288.2); short protein forms R191C, R196C.
Identifiers: ClinVar variation 2996011 (VCV002996011.4), dbSNP rs1014126728, ClinGen allele CA73045090.